The following is an entry in ClinVar:

NM_001369.3(DNAH5):c.7604_7605insTGTCTCTTATA (p.Asp2536fs)

Gene: DNAH5 (dynein axonemal heavy chain 5; minus strand). Cytogenetic location: 5p15.2.
Variant type: Insertion.
Coding change: c.7604_7605insTGTCTCTTATA on transcript NM_001369.3 (MANE Select); coding-DNA positions 7604 to 7605, TGTCTCTTATA inserted.
Protein change: p.Asp2536fs; shifts the reading frame from aspartic acid 2536.
Molecular consequence: frameshift variant.
Genome position: GRCh38 VCF-style: chr5-13810063-G-GTATAAGAGACA. GRCh37 (hg19) VCF-style: chr5-13810172-G-GTATAAGAGACA.
Other names: short protein forms D2536fs.
Identifiers: ClinVar variation 5010749 (VCV005010749.1).

ClinVar aggregate classification (germline): Pathogenic (1 of 4 stars; one submission).

Conditions:
Primary ciliary dyskinesia 3. Identifiers: Orphanet 244, MedGen C1837618, MONDO:0012085, OMIM 608644.

Submission:

Myriad Genetics, Inc.
Classification: Pathogenic for Primary ciliary dyskinesia 3. Last evaluated: 2024-05-14. Review status: criteria provided, single submitter. Criteria: Myriad Autosomal Dominant, Autosomal Recessive and X-Linked Classification Criteria (2023). Collection method: clinical testing. Allele origin: unknown.
Comment: NM_001369.2(DNAH5):c.7604_7605ins11(D2536Vfs*39) is expected to be pathogenic in the context of primary ciliary dyskinesia, DNAH5-related. This variant is predicted to lead to an abnormal or absent protein product due to the creation of a premature termination codon in DNAH5, a gene where loss-of-function variants are known to be pathogenic. Please note: this variant was assessed in the context of healthy population screening.